The following is an entry in ClinVar:

ClinVar aggregate classification (germline): Uncertain significance (1 of 4 stars; one submission).

Conditions:
Tuberous sclerosis 1 (TSC1). Identifiers: Orphanet 805, MedGen C1854465, MONDO:0008612, OMIM 191100.

Submission:

Labcorp Genetics (formerly Invitae), Labcorp
Classification: Uncertain significance for Tuberous sclerosis 1. Last evaluated: 2024-09-06. Review status: criteria provided, single submitter. Criteria: Invitae Variant Classification Sherloc (09022015). Collection method: clinical testing. Allele origin: germline.
Comment: This sequence change replaces isoleucine, which is neutral and non-polar, with threonine, which is neutral and polar, at codon 555 of the TSC1 protein (p.Ile555Thr). This variant is not present in population databases (gnomAD no frequency). This variant has not been reported in the literature in individuals affected with TSC1-related conditions. Invitae Evidence Modeling of protein sequence and biophysical properties (such as structural, functional, and spatial information, amino acid conservation, physicochemical variation, residue mobility, and thermodynamic stability) indicates that this missense variant is not expected to disrupt TSC1 protein function with a negative predictive value of 95%. In summary, the available evidence is currently insufficient to determine the role of this variant in disease. Therefore, it has been classified as a Variant of Uncertain Significance.

NM_000368.5(TSC1):c.1664T>C (p.Ile555Thr)

Gene: TSC1 (TSC complex subunit 1; minus strand). Cytogenetic location: 9q34.13.
Variant type: single nucleotide variant.
Coding change: c.1664T>C on transcript NM_000368.5 (MANE Select); coding-DNA position 1664, T replaced by C.
Protein change: p.Ile555Thr; replaces isoleucine 555 with threonine.
Molecular consequence: missense variant. On other transcripts: non-coding transcript variant (5).
Genome position (GRCh38, 1-based): chr9:132,905,914, A>G on the plus strand (T>C on the coding strand, the complement: TSC1 is on the minus strand). VCF-style: chr9-132905914-A-G. GRCh37 (hg19) VCF-style: chr9-135781301-A-G.
Other names: c.1508T>C, p.Ile503Thr (NM_001406611.1, NM_001406612.1, NM_001406613.1); c.1301T>C, p.Ile434Thr (NM_001406614.1, NM_001406615.1, NM_001406616.1 and 5 more transcripts); c.1298T>C, p.Ile433Thr (NM_001406620.1, NM_001406621.1, NM_001406622.1 and 2 more transcripts); c.1661T>C, p.Ile554Thr (NM_001162426.2, NM_001406597.1, NM_001406598.1 and 6 more transcripts); c.1511T>C, p.Ile504Thr (NM_001162427.2, NM_001406610.1); c.1664T>C, p.Ile555Thr (NM_001406592.1, NM_001406593.1, NM_001406594.1 and 7 more transcripts); c.713T>C, p.Ile238Thr (NM_001406626.1); c.710T>C, p.Ile237Thr (NM_001406627.1, NM_001406628.1); and 1 more; short protein forms I204T, I504T, I238T, I434T, I503T, I555T, I237T, I433T.
Identifiers: ClinVar variation 3651740 (VCV003651740.2).